The following is an entry in ClinVar:

ClinVar aggregate classification (germline): Uncertain significance (1 of 4 stars; one submission).

Allele frequency attached by ClinVar (database versions not stated): gnomAD exomes below 0.00001 and 0.00001; TOPMed 0.00001; gnomAD 0.00002.
gnomAD v4.1: 12 of 1,592,830 alleles (0.00075%); highest among the groups gnomAD compares: Non-Finnish European, 0.001%; no homozygotes.

Submission:

Labcorp Genetics (formerly Invitae), Labcorp
Classification: Uncertain significance. Last evaluated: 2021-02-14. Review status: criteria provided, single submitter. Criteria: Invitae Variant Classification Sherloc (09022015). Collection method: clinical testing. Allele origin: germline.
Comment: In summary, the available evidence is currently insufficient to determine the role of this variant in disease. Therefore, it has been classified as a Variant of Uncertain Significance. Algorithms developed to predict the effect of missense changes on protein structure and function are either unavailable or do not agree on the potential impact of this missense change (SIFT: "Tolerated"; PolyPhen-2: "Possibly Damaging"; Align-GVGD: "Class C0"). This variant has not been reported in the literature in individuals with SAG-related conditions. The frequency data for this variant in the population databases is considered unreliable, as metrics indicate poor data quality at this position in the ExAC database. This sequence change replaces valine with alanine at codon 63 of the SAG protein (p.Val63Ala). The valine residue is highly conserved and there is a small physicochemical difference between valine and alanine.

NM_000541.5(SAG):c.188T>C (p.Val63Ala)

Gene: SAG (S-antigen visual arrestin; plus strand). Cytogenetic location: 2q37.1.
Variant type: single nucleotide variant.
Coding change: c.188T>C on transcript NM_000541.5 (MANE Select); coding-DNA position 188, T replaced by C.
Protein change: p.Val63Ala; replaces valine 63 with alanine.
Molecular consequence: missense variant.
Genome position (GRCh38, 1-based): chr2:233,320,636, T>C. VCF-style: chr2-233320636-T-C. GRCh37 (hg19) VCF-style: chr2-234229282-T-C.
Other names: short protein forms V63A.
Identifiers: ClinVar variation 1355191 (VCV001355191.8), dbSNP rs750268255, ClinGen allele CA2174302.
Genomic context (GRCh38, chr2:233,320,636, plus strand): 5'-TGGTGGGTGCCAGGCCGAGGGCCAAGTCCGACCCTGCCTTCATCTCCCTTGCAGTGTATG[T>C]CACTCTGACCTGCGCCTTCCGCTATGGCCAAGAGGACATTGACGTGATCGGCTTGACCTT-3'
Protein context (NP_000532.2, residues 53-73): PDLVKGKKVY[Val63Ala]TLTCAFRYGQ